The following is an entry in ClinVar:

NM_000019.4(ACAT1):c.233del (p.Lys78fs)

Gene: ACAT1 (acetyl-CoA acetyltransferase 1; plus strand). Cytogenetic location: 11q22.3.
Variant type: Deletion.
Coding change: c.233del on transcript NM_000019.4 (MANE Select); coding-DNA position 233, one base deleted (A; older notation c.233delA).
Protein change: p.Lys78fs; shifts the reading frame from lysine 78.
Molecular consequence: frameshift variant. On other transcripts: 5 prime UTR variant (10), non-coding transcript variant (2), intron variant (1).
Genome position (GRCh38, 1-based): chr11:108,133,932, A deleted; the last of 4 consecutive A bases (chr11:108,133,929-108,133,932); deleting any one gives the same sequence. VCF-style (leftmost placement, unchanged base first): chr11-108133928-GA-G. GRCh37 (hg19) VCF-style: chr11-108004655-GA-G.
Other names: c.233del, p.Lys78fs (NM_001386677.1); c.-45del (NM_001386679.1); c.-38del (NM_001386681.1, NM_001386682.1, NM_001386685.1 and 6 more transcripts); c.120+1978del (NM_001386678.1); short protein forms K78fs.
Identifiers: ClinVar variation 1073055 (VCV001073055.7), dbSNP rs2135334849, ClinGen allele CA2499220534.

ClinVar aggregate classification (germline): Pathogenic (1 of 4 stars; one submission).

Conditions:
Deficiency of acetyl-CoA acetyltransferase. Also called: MITOCHONDRIAL ACETOACETYL-CoA THIOLASE DEFICIENCY; Beta-ketothiolase deficiency; 3-KETOTHIOLASE DEFICIENCY; 3-OXOTHIOLASE DEFICIENCY. Identifiers: Orphanet 134, MedGen C1536500, MONDO:0008760, OMIM 203750. Disease mechanism: loss of function.

Submission:

Labcorp Genetics (formerly Invitae), Labcorp
Classification: Pathogenic for Deficiency of acetyl-CoA acetyltransferase. Last evaluated: 2020-07-07. Review status: criteria provided, single submitter. Criteria: Invitae Variant Classification Sherloc (09022015). Collection method: clinical testing. Allele origin: germline.
Comment: Loss-of-function variants in ACAT1 are known to be pathogenic (PMID: 7749408). For these reasons, this variant has been classified as Pathogenic. This variant has not been reported in the literature in individuals with ACAT1-related conditions. This variant is not present in population databases (ExAC no frequency). This sequence change creates a premature translational stop signal (p.Lys78Argfs*9) in the ACAT1 gene. It is expected to result in an absent or disrupted protein product.

Literature cited by the submitters: PubMed 7749408.